The following is an entry in ClinVar:

ClinVar aggregate classification (germline): Likely benign (1 of 4 stars; one submission).

Submission:

GeneDx
Classification: Likely benign. Last evaluated: 2026-03-03. Review status: criteria provided, single submitter. Criteria: GeneDx Variant Classification Process June 2021. Collection method: clinical testing. Allele origin: germline.
Comment: See Variant Classification Assertion Criteria.

NM_030632.3(ASXL3):c.5182A>G (p.Lys1728Glu)

Gene: ASXL3 (ASXL transcriptional regulator 3; plus strand). Cytogenetic location: 18q12.1.
Variant type: single nucleotide variant.
Coding change: c.5182A>G on transcript NM_030632.3 (MANE Select); coding-DNA position 5182, A replaced by G.
Protein change: p.Lys1728Glu; replaces lysine 1728 with glutamic acid.
Molecular consequence: missense variant.
Genome position (GRCh38, 1-based): chr18:33,745,030, A>G. VCF-style: chr18-33745030-A-G. GRCh37 (hg19) VCF-style: chr18-31324994-A-G.
Other names: short protein forms K1728E.
Identifiers: ClinVar variation 4888110 (VCV004888110.1).